The following is an entry in ClinVar:

ClinVar aggregate classification (germline): Benign. Review status: criteria provided, multiple submitters, no conflicts (2 of 4 stars). 2 submissions from 2 submitters: Benign (2). Last evaluated 2020-02-17.

Allele frequency attached by ClinVar (database versions not stated): 1000 Genomes Project 30x 0.14038; TOPMed 0.14619; 1000 Genomes Project 0.14637; gnomAD 0.14989 and 0.15271; gnomAD exomes 0.50000.
gnomAD v4.1: 23,437 of 152,210 alleles (15%); highest among the groups gnomAD compares: East Asian, 28%; 2,345 homozygotes.

Submissions (2):

GeneDx
Classification: Benign. Last evaluated: 2020-02-17. Review status: criteria provided, single submitter. Criteria: GeneDx Variant Classification Process June 2021. Collection method: clinical testing. Allele origin: germline. Affected: yes.
Comment: This variant is associated with the following publications: (PMID: 24981235)

Breakthrough Genomics
Classification: Benign. Review status: criteria provided, single submitter. Criteria: ACMG Guidelines, 2015. Collection method: not provided. Allele origin: germline. Inheritance: Unknown mechanism. Affected: yes.

NM_005191.4(CD80):c.*780A>T

Genes: TIMMDC1 (translocase of inner mitochondrial membrane domain containing 1; plus strand), CD80 (CD80 molecule; minus strand). Cytogenetic location: 3q13.33.
Variant type: single nucleotide variant.
Coding change: c.*780A>T on transcript NM_005191.4 (MANE Select); 780 bases downstream of the stop codon, A replaced by T.
Molecular consequence: 3 prime UTR variant.
Genome position (GRCh38, 1-based): chr3:119,525,008, T>A on the plus strand (A>T on the coding strand, the complement: CD80 is on the minus strand). VCF-style: chr3-119525008-T-A. GRCh37 (hg19) VCF-style: chr3-119243855-T-A.
Other names: c.*1252T>A (NM_016589.4).
Identifiers: ClinVar variation 1288301 (VCV001288301.2), dbSNP rs1599795, ClinGen allele CA11573551.